The following is an entry in ClinVar:

ClinVar aggregate classification (germline): Uncertain significance. Review status: criteria provided, multiple submitters, no conflicts (2 of 4 stars). 2 submissions from 2 submitters: Uncertain significance (2). Last evaluated 2021-07-30.

Conditions:
Charlevoix-Saguenay spastic ataxia (SACS). Also called: AUTOSOMAL RECESSIVE SPASTIC ATAXIA OF CHARLEVOIX-SAGUENAY; SPASTIC ATAXIA 6, AUTOSOMAL RECESSIVE; Spastic ataxia of Charlevoix-Saguenay. Identifiers: Orphanet 98, MedGen C1849140, MONDO:0010041, OMIM 270550.
Spastic paraplegia. Identifiers: MedGen C0037772, HP:0001258.

Allele frequency attached by ClinVar (database versions not stated): TOPMed 0.00002; gnomAD 0.00003 and 0.00004.
gnomAD v4.1: 7 of 1,613,626 alleles (0.00043%); highest among the groups gnomAD compares: African/African-American, 0.0093%; no homozygotes.

Submissions (2):

Department of Pathology and Laboratory Medicine, Sinai Health System
Classification: Uncertain significance for Charlevoix-Saguenay spastic ataxia. Last evaluated: 2021-07-30. Review status: criteria provided, single submitter. Criteria: ACMG Guidelines, 2015. Collection method: research. Allele origin: germline.

Labcorp Genetics (formerly Invitae), Labcorp
Classification: Uncertain significance for Spastic paraplegia. Last evaluated: 2021-07-14. Review status: criteria provided, single submitter. Criteria: Invitae Variant Classification Sherloc (09022015). Collection method: clinical testing. Allele origin: germline.
Comment: This sequence change creates a premature translational stop signal (p.Lys4578*) in the SACS gene. While this is not anticipated to result in nonsense mediated decay, it is expected to disrupt the last 2 amino acid(s) of the SACS protein. This variant is not present in population databases (ExAC no frequency). This variant has not been reported in the literature in individuals affected with SACS-related conditions. Experimental studies and prediction algorithms are not available or were not evaluated, and the functional significance of this variant is currently unknown. In summary, the available evidence is currently insufficient to determine the role of this variant in disease. Therefore, it has been classified as a Variant of Uncertain Significance.

NM_014363.6(SACS):c.13732A>T (p.Lys4578Ter)

Gene: SACS (sacsin molecular chaperone; minus strand). Cytogenetic location: 13q12.12.
Variant type: single nucleotide variant.
Coding change: c.13732A>T on transcript NM_014363.6 (MANE Select); coding-DNA position 13732, A replaced by T.
Protein change: p.Lys4578Ter; replaces lysine 4578 with a stop codon.
Molecular consequence: nonsense.
Genome position (GRCh38, 1-based): chr13:23,330,144, T>A on the plus strand (A>T on the coding strand, the complement: SACS is on the minus strand). VCF-style: chr13-23330144-T-A. GRCh37 (hg19) VCF-style: chr13-23904283-T-A.
Other names: c.13291A>T, p.Lys4431Ter (NM_001278055.2); short protein forms K4578*, K4431*.
Identifiers: ClinVar variation 1482788 (VCV001482788.6), dbSNP rs916523887, ClinGen allele CA246647596.